The following is an entry in ClinVar:

NM_001122769.3(LCA5):c.1415A>G (p.Asn472Ser)

Gene: LCA5 (lebercilin LCA5; minus strand). Cytogenetic location: 6q14.1.
Variant type: single nucleotide variant.
Coding change: c.1415A>G on transcript NM_001122769.3 (MANE Select); coding-DNA position 1415, A replaced by G.
Protein change: p.Asn472Ser; replaces asparagine 472 with serine.
Molecular consequence: missense variant.
Genome position (GRCh38, 1-based): chr6:79,487,683, T>C on the plus strand (A>G on the coding strand, the complement: LCA5 is on the minus strand). VCF-style: chr6-79487683-T-C. GRCh37 (hg19) VCF-style: chr6-80197400-T-C.
Other names: c.1415A>G, p.Asn472Ser (NM_181714.4); c.1415A>G (NM_181714.3); short protein forms N472S.
Identifiers: ClinVar variation 1051909 (VCV001051909.8), dbSNP rs751852107, ClinGen allele CA3900833.

ClinVar aggregate classification (germline): Uncertain significance. Review status: criteria provided, multiple submitters, no conflicts (2 of 4 stars). 3 submissions from 3 submitters: Uncertain significance (2). 1 of the submissions does not count toward it. Last evaluated 2025-08-04.

Conditions:
Inborn genetic diseases. Identifiers: MedGen C0950123, MeSH D030342.
Leber congenital amaurosis 5 (LCA5). Also called: Amaurosis congenita of Leber, type 5. Identifiers: Orphanet 65, MedGen C1858301, MONDO:0011473, OMIM 604537.

Allele frequency attached by ClinVar (database versions not stated): gnomAD exomes below 0.00001 and 0.00001; ExAC 0.00001; gnomAD 0.00002; TOPMed 0.00002.
gnomAD v4.1: 14 of 1,613,828 alleles (0.00087%); highest among the groups gnomAD compares: African/African-American, 0.0027%; no homozygotes.

Submissions (3):

Ambry Genetics
Classification: Uncertain significance for Inborn genetic diseases. Last evaluated: 2025-08-04. Review status: criteria provided, single submitter. Criteria: Ambry Variant Classification Scheme 2023. Collection method: clinical testing. Allele origin: germline.

Labcorp Genetics (formerly Invitae), Labcorp
Classification: Uncertain significance. Last evaluated: 2022-06-20. Review status: criteria provided, single submitter. Criteria: Invitae Variant Classification Sherloc (09022015). Collection method: clinical testing. Allele origin: germline.
Comment: This sequence change replaces asparagine, which is neutral and polar, with serine, which is neutral and polar, at codon 472 of the LCA5 protein (p.Asn472Ser). This variant is present in population databases (rs751852107, gnomAD 0.007%). This variant has not been reported in the literature in individuals affected with LCA5-related conditions. ClinVar contains an entry for this variant (Variation ID: 1051909). Algorithms developed to predict the effect of missense changes on protein structure and function (SIFT, PolyPhen-2, Align-GVGD) all suggest that this variant is likely to be tolerated. In summary, the available evidence is currently insufficient to determine the role of this variant in disease. Therefore, it has been classified as a Variant of Uncertain Significance.

Natera, Inc.
Classification: Uncertain significance for Leber congenital amaurosis type 5. Last evaluated: 2020-09-03. Review status: no assertion criteria provided. Collection method: clinical testing. Allele origin: germline. Not counted in ClinVar's aggregate classification.